The following is an entry in ClinVar:

NM_005204.4(MAP3K8):c.557G>A (p.Arg186Gln)

Gene: MAP3K8 (mitogen-activated protein kinase kinase kinase 8; plus strand). Cytogenetic location: 10p11.23.
Variant type: single nucleotide variant.
Coding change: c.557G>A on transcript NM_005204.4 (MANE Select); coding-DNA position 557, G replaced by A.
Protein change: p.Arg186Gln; replaces arginine 186 with glutamine.
Molecular consequence: missense variant.
Genome position (GRCh38, 1-based): chr10:30,450,310, G>A. VCF-style: chr10-30450310-G-A. GRCh37 (hg19) VCF-style: chr10-30739239-G-A.
Other names: c.557G>A (NM_005204.3); c.557G>A, p.Arg186Gln (NM_001244134.1, NM_001320961.2); short protein forms R186Q.
Identifiers: ClinVar variation 1449457 (VCV001449457.8), dbSNP rs373057774, ClinGen allele CA5459692.

ClinVar aggregate classification (germline): Conflicting classifications of pathogenicity. Review status: criteria provided, conflicting classifications (1 of 4 stars). 3 submissions from 3 submitters: Uncertain significance (2); Likely benign (1). Last evaluated 2025-09-28.

Allele frequency attached by ClinVar (database versions not stated): gnomAD exomes 0.00002; ExAC 0.00003; TOPMed 0.00005; gnomAD 0.00006; ESP Exome Variant Server 0.00008; 1000 Genomes Project 30x 0.00016; 1000 Genomes Project 0.00020.
gnomAD v4.1: 139 of 1,611,958 alleles (0.0086%); highest among the groups gnomAD compares: Non-Finnish European, 0.011%; no homozygotes.

Submissions (3):

Ambry Genetics
Classification: Uncertain significance. Last evaluated: 2025-09-28. Review status: criteria provided, single submitter. Criteria: Ambry Variant Classification Scheme 2023. Collection method: clinical testing. Allele origin: germline.

Labcorp Genetics (formerly Invitae), Labcorp
Classification: Uncertain significance. Last evaluated: 2023-08-28. Review status: criteria provided, single submitter. Criteria: Invitae Variant Classification Sherloc (09022015). Collection method: clinical testing. Allele origin: germline.
Comment: This sequence change replaces arginine, which is basic and polar, with glutamine, which is neutral and polar, at codon 186 of the MAP3K8 protein (p.Arg186Gln). This variant is present in population databases (rs373057774, gnomAD 0.004%). This variant has not been reported in the literature in individuals affected with MAP3K8-related conditions. ClinVar contains an entry for this variant (Variation ID: 1449457). An algorithm developed to predict the effect of missense changes on protein structure and function (PolyPhen-2) suggests that this variant is likely to be tolerated. In summary, the available evidence is currently insufficient to determine the role of this variant in disease. Therefore, it has been classified as a Variant of Uncertain Significance.

Blueprint Genetics
Classification: Likely benign. Last evaluated: 2023-05-04. Review status: criteria provided, single submitter. Criteria: ACMG Guidelines, 2015. Collection method: clinical testing. Allele origin: germline.